The following is an entry in ClinVar:

ClinVar aggregate classification (germline): Uncertain significance (1 of 4 stars; one submission).

Conditions:
SETD5-related syndromic intellectual disability.

Submission:

Illumina Laboratory Services, Illumina
Classification: Uncertain significance for SETD5-related syndromic intellectual disability. Last evaluated: 2020-12-16. Review status: criteria provided, single submitter. Criteria: ICSLVariantClassificationCriteria RUGD 01 April 2020. Collection method: clinical testing. Allele origin: unknown.
Comment: The SETD5 c.116T>G (p.Val39Gly) variant is a missense variant. A literature search was performed for the gene, cDNA change, and amino acid change. No publications were found based on this search. This variant is not found in the Genome Aggregation Database in a region of good sequence coverage, so the variant is presumed to be rare. Based on the limited evidence, the p.Val39Gly variant is classified as a variant of uncertain significance for SETD5-related syndromic intellectual disability.

NM_001080517.3(SETD5):c.116T>G (p.Val39Gly)

Gene: SETD5 (SET domain containing 5; plus strand). Cytogenetic location: 3p25.3.
Variant type: single nucleotide variant.
Coding change: c.116T>G on transcript NM_001080517.3 (MANE Select); coding-DNA position 116, T replaced by G.
Protein change: p.Val39Gly; replaces valine 39 with glycine.
Molecular consequence: missense variant. On other transcripts: 5 prime UTR variant (2).
Genome position (GRCh38, 1-based): chr3:9,433,889, T>G. VCF-style: chr3-9433889-T-G. GRCh37 (hg19) VCF-style: chr3-9475573-T-G.
Other names: c.-218T>G (NM_001292043.2); c.-259T>G (NM_001349451.2); short protein forms V39G.
Identifiers: ClinVar variation 1199191 (VCV001199191.4), dbSNP rs1575376916, ClinGen allele CA351681313.
Genomic context (GRCh38, chr3:9,433,889, plus strand): 5'-TTTCGCCTTTGTGCAGCCCTGAATCTGTGGAGGCTAGTCCAGCAGTTAATGAGAAGAGCG[T>G]GTATTCCACTCATAATTATGGGACCACTCAGAGGCATGGGTGTCGAGGACTGCCTTATGC-3'
Protein context (NP_001073986.1, residues 29-49): EASPAVNEKS[Val39Gly]YSTHNYGTTQ